The following is an entry in ClinVar:

ClinVar aggregate classification (germline): Uncertain significance (1 of 4 stars; one submission).

Allele frequency attached by ClinVar (database versions not stated): ExAC 0.00001; gnomAD 0.00001; gnomAD exomes 0.00001; TOPMed 0.00003.
gnomAD v4.1: 18 of 1,614,010 alleles (0.0011%); highest among the groups gnomAD compares: East Asian, 0.013%; no homozygotes.

Submission:

Labcorp Genetics (formerly Invitae), Labcorp
Classification: Uncertain significance. Last evaluated: 2022-02-11. Review status: criteria provided, single submitter. Criteria: Invitae Variant Classification Sherloc (09022015). Collection method: clinical testing. Allele origin: germline.
Comment: In summary, the available evidence is currently insufficient to determine the role of this variant in disease. Therefore, it has been classified as a Variant of Uncertain Significance. Algorithms developed to predict the effect of sequence changes on RNA splicing suggest that this variant may create or strengthen a splice site. Algorithms developed to predict the effect of missense changes on protein structure and function are either unavailable or do not agree on the potential impact of this missense change (SIFT: "Deleterious"; PolyPhen-2: "Probably Damaging"; Align-GVGD: "Class C15"). This variant has not been reported in the literature in individuals affected with UBE3B-related conditions. This variant is present in population databases (rs759845242, gnomAD 0.01%). This sequence change replaces glycine, which is neutral and non-polar, with arginine, which is basic and polar, at codon 902 of the UBE3B protein (p.Gly902Arg).

NM_130466.4(UBE3B):c.2704G>A (p.Gly902Arg)

Gene: UBE3B (ubiquitin protein ligase E3B; plus strand). Cytogenetic location: 12q24.11.
Variant type: single nucleotide variant.
Coding change: c.2704G>A on transcript NM_130466.4 (MANE Select); coding-DNA position 2704, G replaced by A.
Protein change: p.Gly902Arg; replaces glycine 902 with arginine.
Molecular consequence: missense variant.
Genome position (GRCh38, 1-based): chr12:109,529,966, G>A. VCF-style: chr12-109529966-G-A. GRCh37 (hg19) VCF-style: chr12-109967771-G-A.
Other names: c.2704G>A, p.Gly902Arg (NM_183415.3); short protein forms G902R.
Identifiers: ClinVar variation 2066055 (VCV002066055.4), dbSNP rs759845242, ClinGen allele CA6778295.